The following is an entry in ClinVar:

ClinVar aggregate classification (germline): Uncertain significance. Review status: criteria provided, multiple submitters, no conflicts (2 of 4 stars). 2 submissions from 2 submitters: Uncertain significance (2). Last evaluated 2022-07-11.

Allele frequency attached by ClinVar (database versions not stated): ExAC 0.00002; TOPMed below 0.00001; gnomAD exomes 0.00002; ESP Exome Variant Server 0.00008.
gnomAD v4.1: 10 of 1,604,680 alleles (0.00062%); highest among the groups gnomAD compares: South Asian, 0.0044%; no homozygotes.

Submissions (2):

Labcorp Genetics (formerly Invitae), Labcorp
Classification: Uncertain significance. Last evaluated: 2022-07-11. Review status: criteria provided, single submitter. Criteria: Invitae Variant Classification Sherloc (09022015). Collection method: clinical testing. Allele origin: germline.
Comment: In summary, the available evidence is currently insufficient to determine the role of this variant in disease. Therefore, it has been classified as a Variant of Uncertain Significance. Algorithms developed to predict the effect of missense changes on protein structure and function (SIFT, PolyPhen-2, Align-GVGD) all suggest that this variant is likely to be tolerated. ClinVar contains an entry for this variant (Variation ID: 432765). This variant has not been reported in the literature in individuals affected with XYLT2-related conditions. This variant is present in population databases (rs370835556, gnomAD 0.007%). This sequence change replaces arginine, which is basic and polar, with glutamine, which is neutral and polar, at codon 204 of the XYLT2 protein (p.Arg204Gln).

GeneDx
Classification: Uncertain significance. Last evaluated: 2017-06-19. Review status: criteria provided, single submitter. Criteria: GeneDx Variant Classification (06012015). Collection method: clinical testing. Allele origin: germline. Affected: yes.
Comment: The R204Q variant in the XYLT2 gene has not been reported previously as a pathogenic variant, nor as a benign variant, to our knowledge. The R204Q variant is not observed at a significant frequency in large population cohorts (Lek et al., 2016; 1000 Genomes Consortium et al., 2015; Exome Variant Server). The R204Q variant is a semi-conservative amino acid substitution, which may impact secondary protein structure as these residues differ in some properties. This substitution occurs at a position that is conserved in mammals, and in silico analysis predicts this variant is probably damaging to the protein structure/function. We interpret R204Q as a variant of uncertain significance.

NM_022167.4(XYLT2):c.611G>A (p.Arg204Gln)

Gene: XYLT2 (xylosyltransferase 2; plus strand). Cytogenetic location: 17q21.33.
Variant type: single nucleotide variant.
Coding change: c.611G>A on transcript NM_022167.4 (MANE Select); coding-DNA position 611, G replaced by A.
Protein change: p.Arg204Gln; replaces arginine 204 with glutamine.
Molecular consequence: missense variant.
Genome position (GRCh38, 1-based): chr17:50,354,105, G>A. VCF-style: chr17-50354105-G-A. GRCh37 (hg19) VCF-style: chr17-48431466-G-A.
Other names: short protein forms R204Q.
Identifiers: ClinVar variation 432765 (VCV000432765.6), dbSNP rs370835556, ClinGen allele CA8646196.